The following is an entry in ClinVar:

NM_001204.7(BMPR2):c.1295A>G (p.Tyr432Cys)

Gene: BMPR2 (bone morphogenetic protein receptor type 2; plus strand). Cytogenetic location: 2q33.2.
Variant type: single nucleotide variant.
Coding change: c.1295A>G on transcript NM_001204.7 (MANE Select); coding-DNA position 1295, A replaced by G.
Protein change: p.Tyr432Cys; replaces tyrosine 432 with cysteine.
Molecular consequence: missense variant.
Genome position (GRCh38, 1-based): chr2:202,542,329, A>G. VCF-style: chr2-202542329-A-G. GRCh37 (hg19) VCF-style: chr2-203407052-A-G.
Other names: short protein forms Y432C.
Identifiers: ClinVar variation 3824856 (VCV003824856.1).

ClinVar aggregate classification (germline): Uncertain significance (1 of 4 stars; one submission).

Conditions:
Inborn genetic diseases. Identifiers: MedGen C0950123, MeSH D030342.

gnomAD v4.1: 1 of 1,613,966 alleles (0.000062%); highest among the groups gnomAD compares: Non-Finnish European, 0.000085%; no homozygotes.

Submission:

Ambry Genetics
Classification: Uncertain significance for Inborn genetic diseases. Last evaluated: 2025-01-23. Review status: criteria provided, single submitter. Criteria: Ambry Variant Classification Scheme 2023. Collection method: clinical testing. Allele origin: germline.
Comment: The p.Y432C variant (also known as c.1295A>G), located in coding exon 10 of the BMPR2 gene, results from an A to G substitution at nucleotide position 1295. The tyrosine at codon 432 is replaced by cysteine, an amino acid with highly dissimilar properties. This amino acid position is conserved. In addition, this alteration is predicted to be deleterious by in silico analysis. Based on the available evidence, the clinical significance of this variant remains unclear.